The following is an entry in ClinVar:

ClinVar aggregate classification (germline): Conflicting classifications of pathogenicity. Review status: criteria provided, conflicting classifications (1 of 4 stars). 3 submissions from 3 submitters: Likely pathogenic (1); Uncertain significance (2). Last evaluated 2025-08-13.

Conditions:
Inborn genetic diseases. Identifiers: MedGen C0950123, MeSH D030342.
ACO2-related disorder. Also called: ACO2-Related Disorders.

Submissions (3):

Labcorp Genetics (formerly Invitae), Labcorp
Classification: Uncertain significance. Last evaluated: 2025-08-13. Review status: criteria provided, single submitter. Criteria: Invitae Variant Classification Sherloc (09022015). Collection method: clinical testing. Allele origin: germline.
Comment: This sequence change replaces threonine, which is neutral and polar, with methionine, which is neutral and non-polar, at codon 102 of the ACO2 protein (p.Thr102Met). This variant is not present in population databases (gnomAD no frequency). This variant has not been reported in the literature in individuals affected with ACO2-related conditions. ClinVar contains an entry for this variant (Variation ID: 2263264). Invitae Evidence Modeling of protein sequence and biophysical properties (such as structural, functional, and spatial information, amino acid conservation, physicochemical variation, residue mobility, and thermodynamic stability) indicates that this missense variant is expected to disrupt ACO2 protein function with a positive predictive value of 80%. In summary, the available evidence is currently insufficient to determine the role of this variant in disease. Therefore, it has been classified as a Variant of Uncertain Significance.

Blueprint Genetics
Classification: Likely pathogenic for ACO2-related disorders. Last evaluated: 2024-02-29. Review status: criteria provided, single submitter. Criteria: ACMG Guidelines, 2015. Collection method: clinical testing. Allele origin: germline. Affected: yes. Observed: 3 variant alleles.

Ambry Genetics
Classification: Uncertain significance for Inborn genetic diseases. Last evaluated: 2021-12-02. Review status: criteria provided, single submitter. Criteria: Ambry Variant Classification Scheme 2023. Collection method: clinical testing. Allele origin: germline.
Comment: The c.305C>T (p.T102M) alteration is located in exon 3 (coding exon 3) of the ACO2 gene. This alteration results from a C to T substitution at nucleotide position 305, causing the threonine (T) at amino acid position 102 to be replaced by a methionine (M). This variant was not reported in population-based cohorts in the Genome Aggregation Database (gnomAD). This amino acid position is highly conserved in available vertebrate species. This alteration is predicted to be deleterious by in silico analysis. Based on insufficient or conflicting evidence, the clinical significance of this alteration remains unclear.

NM_001098.3(ACO2):c.305C>T (p.Thr102Met)

Gene: ACO2 (aconitase 2; plus strand). Cytogenetic location: 22q13.2.
Variant type: single nucleotide variant.
Coding change: c.305C>T on transcript NM_001098.3 (MANE Select); coding-DNA position 305, C replaced by T.
Protein change: p.Thr102Met; replaces threonine 102 with methionine.
Molecular consequence: missense variant.
Genome position (GRCh38, 1-based): chr22:41,507,922, C>T. VCF-style: chr22-41507922-C-T. GRCh37 (hg19) VCF-style: chr22-41903926-C-T.
Other names: short protein forms T102M.
Identifiers: ClinVar variation 2263264 (VCV002263264.5), dbSNP rs2518216818, ClinGen allele CA411713516.
Genomic context (GRCh38, chr22:41,507,922, plus strand): 5'-TTGAGCGAGGCAAGTCGTACCTGCGGCTGCGGCCGGACCGTGTGGCCATGCAGGATGCGA[C>T]GGCCCAGATGGCCATGCTCCAGTTCATCAGCAGCGGGCTGTCCAAGGTGGCTGTGCCATC-3'
Protein context (NP_001089.1, residues 92-112): RPDRVAMQDA[Thr102Met]AQMAMLQFIS